The following is an entry in ClinVar:

ClinVar aggregate classification (germline): Conflicting classifications of pathogenicity. Review status: criteria provided, conflicting classifications (1 of 4 stars). 3 submissions from 3 submitters: Uncertain significance (1); Likely benign (2). Last evaluated 2026-01-29.

Conditions:
ALDH18A1-related de Barsy syndrome. Also called: DE BARSY SYNDROME A; Cutis laxa, autosomal recessive IIIA. Identifiers: Orphanet 2962, Orphanet 35664, MedGen C5234852, MONDO:0009053, OMIM 219150.
Cutis laxa, autosomal dominant 3 (ADCL3). Identifiers: Orphanet 90348, MedGen C4225268, MONDO:0014706, OMIM 616603.
Autosomal dominant spastic paraplegia type 9. Identifiers: MedGen C1832669, MONDO:0015091.
de Barsy syndrome. Also called: Cutis laxa-corneal clouding-oligophrenia syndrome. Identifiers: Orphanet 2962, MedGen C0268354, MONDO:0017569.

Allele frequency attached by ClinVar (database versions not stated): gnomAD 0.00003; TOPMed 0.00006; ESP Exome Variant Server 0.00008.
gnomAD v4.1: 86 of 1,611,284 alleles (0.0053%); highest among the groups gnomAD compares: Admixed American, 0.018%; 1 homozygote.

Submissions (3):

Labcorp Genetics (formerly Invitae), Labcorp
Classification: Likely benign for Autosomal dominant spastic paraplegia type 9; de Barsy syndrome; Cutis laxa, autosomal dominant 3. Last evaluated: 2026-01-29. Review status: criteria provided, single submitter. Criteria: Invitae Variant Classification Sherloc (09022015). Collection method: clinical testing. Allele origin: germline.

Illumina Laboratory Services, Illumina
Classification: Uncertain significance for ALDH18A1-related de Barsy syndrome. Last evaluated: 2018-01-13. Review status: criteria provided, single submitter. Criteria: ICSL Variant Classification Criteria 13 December 2019. Collection method: clinical testing. Allele origin: germline.

GeneDx
Classification: Likely benign. Last evaluated: 2018-01-08. Review status: criteria provided, single submitter. Criteria: GeneDx Variant Classification (06012015). Collection method: clinical testing. Allele origin: germline. Affected: yes.
Comment: This variant is considered likely benign or benign based on one or more of the following criteria: it is a conservative change, it occurs at a poorly conserved position in the protein, it is predicted to be benign by multiple in silico algorithms, and/or has population frequency not consistent with disease.

NM_002860.4(ALDH18A1):c.1467+15C>T

Gene: ALDH18A1 (aldehyde dehydrogenase 18 family member A1; minus strand). Cytogenetic location: 10q24.1.
Variant type: single nucleotide variant.
Coding change: c.1467+15C>T on transcript NM_002860.4 (MANE Select); 15 bases into the intron after coding-DNA position 1467, C replaced by T.
Molecular consequence: intron variant.
Genome position (GRCh38, 1-based): chr10:95,621,016, G>A on the plus strand (C>T on the coding strand, the complement: ALDH18A1 is on the minus strand). VCF-style: chr10-95621016-G-A. GRCh37 (hg19) VCF-style: chr10-97380773-G-A.
Other names: c.831+15C>T (NM_001323419.2); c.1134+15C>T (NM_001323412.2, NM_001323416.2); c.1362+15C>T (NM_001323417.2); c.1461+15C>T (NM_001017423.2, NM_001323415.2); c.1128+15C>T (NM_001323418.2); c.1467+15C>T (NM_001323413.2, NM_001323414.2).
Identifiers: ClinVar variation 514473 (VCV000514473.10), dbSNP rs374652686, ClinGen allele CA5620316.